The following is an entry in ClinVar:

NM_032043.3(BRIP1):c.2258-20G>C

Gene: BRIP1 (BRCA1 interacting DNA helicase 1; minus strand). Cytogenetic location: 17q23.2.
Variant type: single nucleotide variant.
Coding change: c.2258-20G>C on transcript NM_032043.3 (MANE Select); 20 bases into the intron before coding-DNA position 2258, G replaced by C.
Molecular consequence: intron variant.
Genome position (GRCh38, 1-based): chr17:61,743,154, C>G on the plus strand (G>C on the coding strand, the complement: BRIP1 is on the minus strand). VCF-style: chr17-61743154-C-G. GRCh37 (hg19) VCF-style: chr17-59820515-C-G.
Identifiers: ClinVar variation 3378447 (VCV003378447.1).

ClinVar aggregate classification (germline): Likely benign (1 of 4 stars; one submission).

Conditions:
Familial cancer of breast. Also called: hereditary breast carcinoma; Hereditary breast cancer; BREAST CANCER, FAMILIAL. Identifiers: Orphanet 227535, MedGen C0346153, MONDO:0016419, OMIM 114480. Disease mechanism: loss of function.

Submission:

Myriad Genetics, Inc.
Classification: Likely benign for Familial cancer of breast. Last evaluated: 2024-09-04. Review status: criteria provided, single submitter. Criteria: Myriad Autosomal Dominant, Autosomal Recessive and X-Linked Classification Criteria (2023). Collection method: clinical testing. Allele origin: unknown.
Comment: This variant is considered likely benign. This variant is intronic and is not expected to impact mRNA splicing.